The following is an entry in ClinVar:

ClinVar aggregate classification (germline): Uncertain significance. Review status: criteria provided, multiple submitters, no conflicts (2 of 4 stars). 2 submissions from 2 submitters: Uncertain significance (2). Last evaluated 2022-07-05.

Conditions:
Inborn genetic diseases. Identifiers: MedGen C0950123, MeSH D030342.
Autosomal recessive distal spinal muscular atrophy 1. Also called: NEURONOPATHY, DISTAL HEREDITARY MOTOR, HARDING TYPE VI; NEUROPATHY, DISTAL HEREDITARY MOTOR, AUTOSOMAL RECESSIVE 1; SEVERE INFANTILE AXONAL NEUROPATHY WITH RESPIRATORY FAILURE; SPINAL MUSCULAR ATROPHY, DIAPHRAGMATIC; HMN VI; NEURONOPATHY, SEVERE INFANTILE AXONAL, WITH RESPIRATORY FAILURE. Identifiers: Orphanet 98920, MedGen C1858517, MONDO:0011436, OMIM 604320.
Charcot-Marie-Tooth disease axonal type 2S. Also called: CHARCOT-MARIE-TOOTH DISEASE, AXONAL, AUTOSOMAL RECESSIVE, TYPE 2S; CHARCOT-MARIE-TOOTH NEUROPATHY, TYPE 2S. Identifiers: Orphanet 443073, MedGen C4015349, MONDO:0014511, OMIM 616155.

Allele frequency attached by ClinVar (database versions not stated): gnomAD 0.00001 and 0.00003; ExAC 0.00003; TOPMed 0.00004; gnomAD exomes 0.00007.

Submissions (2):

Labcorp Genetics (formerly Invitae), Labcorp
Classification: Uncertain significance for Autosomal recessive distal spinal muscular atrophy 1; Charcot-Marie-Tooth disease axonal type 2S. Last evaluated: 2022-07-05. Review status: criteria provided, single submitter. Criteria: Invitae Variant Classification Sherloc (09022015). Collection method: clinical testing. Allele origin: germline.
Comment: This sequence change replaces arginine, which is basic and polar, with cysteine, which is neutral and slightly polar, at codon 918 of the IGHMBP2 protein (p.Arg918Cys). This variant is present in population databases (rs199962477, gnomAD 0.01%). This missense change has been observed in individual(s) with hereditary motor neuropathy (PMID: 28251916). ClinVar contains an entry for this variant (Variation ID: 644635). Advanced modeling of protein sequence and biophysical properties (such as structural, functional, and spatial information, amino acid conservation, physicochemical variation, residue mobility, and thermodynamic stability) performed at Invitae indicates that this missense variant is not expected to disrupt IGHMBP2 protein function. In summary, the available evidence is currently insufficient to determine the role of this variant in disease. Therefore, it has been classified as a Variant of Uncertain Significance.

Ambry Genetics
Classification: Uncertain significance for Inborn genetic diseases. Last evaluated: 2021-02-16. Review status: criteria provided, single submitter. Criteria: Ambry Variant Classification Scheme 2023. Collection method: clinical testing. Allele origin: germline.
Comment: The p.R918C variant (also known as c.2752C>T), located in coding exon 14 of the IGHMBP2 gene, results from a C to T substitution at nucleotide position 2752. The arginine at codon 918 is replaced by cysteine, an amino acid with highly dissimilar properties. This alteration has been reported in patients with motor neuropathy; however, a second IGHMBP2 alteration was not identified in these patients (Antoniadi T et al. BMC Med Genet, 2015 Sep;16:84; Bansagi B et al. Neurology, 2017 Mar;88:1226-1234). This amino acid position is not well conserved in available vertebrate species. In addition, this alteration is predicted to be tolerated by in silico analysis. Since supporting evidence is limited at this time, the clinical significance of this alteration remains unclear.

Literature cited by the submitters: PubMed 28251916 (cited by Labcorp Genetics (formerly Invitae), Labcorp and Ambry Genetics); PubMed 26392352 (cited by Ambry Genetics).

NM_002180.3(IGHMBP2):c.2752C>T (p.Arg918Cys)

Gene: IGHMBP2 (immunoglobulin mu DNA binding protein 2; plus strand). Cytogenetic location: 11q13.3.
Variant type: single nucleotide variant.
Coding change: c.2752C>T on transcript NM_002180.3 (MANE Select); coding-DNA position 2752, C replaced by T.
Protein change: p.Arg918Cys; replaces arginine 918 with cysteine.
Molecular consequence: missense variant.
Genome position (GRCh38, 1-based): chr11:68,938,322, C>T. VCF-style: chr11-68938322-C-T. GRCh37 (hg19) VCF-style: chr11-68705790-C-T.
Other names: short protein forms R918C.
Identifiers: ClinVar variation 644635 (VCV000644635.10), dbSNP rs199962477, ClinGen allele CA6153994.